The following is an entry in ClinVar:

ClinVar aggregate classification (germline): Likely pathogenic (1 of 4 stars; one submission).

Conditions:
Cowden syndrome 7 (CWS7). Identifiers: Orphanet 201, MedGen C4225179, MONDO:0014802, OMIM 616858.

Submission:

Neuberg Centre For Genomic Medicine, NCGM
Classification: Likely pathogenic for Cowden syndrome 7. Last evaluated: 2023-05-20. Review status: criteria provided, single submitter. Criteria: ACMG Guidelines, 2015. Collection method: clinical testing. Allele origin: germline. Inheritance: Autosomal dominant inheritance. Affected: yes.
Comment: The observed invariant splice acceptor c.994-1G>T in SEC23B gene has not been reported previously as a pathogenic variant nor as a benign variant, to our knowledge. The c.994-1G>T variant is absent in gnomAD Exomes database. This variant has not been submitted to the ClinVar database. Splice AI predicts this variant to cause splice acceptor loss (0.99). Loss of function variants have been previously reported to be disease causing. For these reasons, this variant has been classified as Likely Pathogenic.

NM_006363.6(SEC23B):c.994-1G>T

Gene: SEC23B (SEC23 homolog B, COPII coat complex component; plus strand). Cytogenetic location: 20p11.23.
Variant type: single nucleotide variant.
Coding change: c.994-1G>T on transcript NM_006363.6 (MANE Select); the canonical splice acceptor site of the intron before coding-DNA position 994, G replaced by T.
Molecular consequence: splice acceptor variant.
Genome position (GRCh38, 1-based): chr20:18,527,495, G>T. VCF-style: chr20-18527495-G-T. GRCh37 (hg19) VCF-style: chr20-18508139-G-T.
Other names: c.994-1G>T (NM_032986.5, NM_001172745.3, NM_032985.6); c.940-1G>T (NM_001172746.3).
Identifiers: ClinVar variation 3362374 (VCV003362374.3).